The following is an entry in ClinVar:

ClinVar aggregate classification (germline): Likely benign (1 of 4 stars; one submission).

Allele frequency attached by ClinVar (database versions not stated): gnomAD exomes 0.00004; TOPMed 0.00012; gnomAD 0.00013.
gnomAD v4.1: 73 of 1,551,922 alleles (0.0047%); highest among the groups gnomAD compares: Middle Eastern, 0.1%; 1 homozygote.

Submission:

CeGaT Center for Human Genetics Tuebingen
Classification: Likely benign. Last evaluated: 2022-07-01. Review status: criteria provided, single submitter. Criteria: CeGaT Center For Human Genetics Tuebingen Variant Classification Criteria Version 2. Collection method: clinical testing. Allele origin: germline. Affected: yes. Observed: 1 variant allele.
Comment: DOC2B: BP4, BP7

NM_003585.5(DOC2B):c.576A>G (p.Thr192=)

Gene: DOC2B (double C2 domain beta; minus strand). Cytogenetic location: 17p13.3.
Variant type: single nucleotide variant.
Coding change: c.576A>G on transcript NM_003585.5 (MANE Select); coding-DNA position 576, A replaced by G.
Protein change: p.Thr192=; no amino-acid change (threonine 192 retained).
Molecular consequence: synonymous variant.
Genome position (GRCh38, 1-based): chr17:162,143, T>C on the plus strand (A>G on the coding strand, the complement: DOC2B is on the minus strand). VCF-style: chr17-162143-T-C. GRCh37 (hg19) VCF-style: chr17-11934-T-C.
Identifiers: ClinVar variation 2647152 (VCV002647152.24), dbSNP rs1043861462, ClinGen allele CA286263557.